The following is an entry in ClinVar:

NM_032119.4(ADGRV1):c.5356A>G (p.Lys1786Glu)

Gene: ADGRV1 (adhesion G protein-coupled receptor V1; plus strand). Cytogenetic location: 5q14.3.
Variant type: single nucleotide variant.
Coding change: c.5356A>G on transcript NM_032119.4 (MANE Select); coding-DNA position 5356, A replaced by G.
Protein change: p.Lys1786Glu; replaces lysine 1786 with glutamic acid.
Molecular consequence: missense variant. On other transcripts: non-coding transcript variant (1).
Genome position (GRCh38, 1-based): chr5:90,676,122, A>G. VCF-style: chr5-90676122-A-G. GRCh37 (hg19) VCF-style: chr5-89971939-A-G.
Other names: short protein forms K1786E.
Identifiers: ClinVar variation 2007930 (VCV002007930.3), dbSNP rs1382307460, ClinGen allele CA360410676.

ClinVar aggregate classification (germline): Uncertain significance (1 of 4 stars; one submission).

Allele frequency attached by ClinVar (database versions not stated): TOPMed below 0.00001; gnomAD 0.00001.
gnomAD v4.1: 1 of 1,604,512 alleles (0.000062%); highest among the groups gnomAD compares: African/African-American, 0.0013%; no homozygotes.

Submission:

Labcorp Genetics (formerly Invitae), Labcorp
Classification: Uncertain significance. Last evaluated: 2024-10-24. Review status: criteria provided, single submitter. Criteria: Invitae Variant Classification Sherloc (09022015). Collection method: clinical testing. Allele origin: germline.
Comment: This sequence change replaces lysine, which is basic and polar, with glutamic acid, which is acidic and polar, at codon 1786 of the ADGRV1 protein (p.Lys1786Glu). This variant is not present in population databases (gnomAD no frequency). This variant has not been reported in the literature in individuals affected with ADGRV1-related conditions. ClinVar contains an entry for this variant (Variation ID: 2007930). Invitae Evidence Modeling of protein sequence and biophysical properties (such as structural, functional, and spatial information, amino acid conservation, physicochemical variation, residue mobility, and thermodynamic stability) indicates that this missense variant is not expected to disrupt ADGRV1 protein function with a negative predictive value of 95%. In summary, the available evidence is currently insufficient to determine the role of this variant in disease. Therefore, it has been classified as a Variant of Uncertain Significance.